The following is an entry in ClinVar:

NM_001322059.2(PDE1C):c.259C>A (p.Arg87Ser)

Gene: PDE1C (phosphodiesterase 1C; minus strand). Cytogenetic location: 7p14.3.
Variant type: single nucleotide variant.
Coding change: c.259C>A on transcript NM_001322059.2; coding-DNA position 259, C replaced by A.
Protein change: p.Arg87Ser; replaces arginine 87 with serine.
Molecular consequence: missense variant.
Genome position (GRCh38, 1-based): chr7:32,427,873, G>T on the plus strand (C>A on the coding strand, the complement: PDE1C is on the minus strand). VCF-style: chr7-32427873-G-T. GRCh37 (hg19) VCF-style: chr7-32467485-G-T.
Other names: short protein forms R87S.
Identifiers: ClinVar variation 2629118 (VCV002629118.2), dbSNP rs1190406152, ClinGen allele CA837701175.

ClinVar aggregate classification (germline): Conflicting classifications of pathogenicity. Review status: criteria provided, conflicting classifications (1 of 4 stars). 2 submissions from 2 submitters: Uncertain significance (1); Likely benign (1). Last evaluated 2024-11-21.

Conditions:
PDE1C-related disorder. Also called: PDE1C-related condition.

Allele frequency attached by ClinVar (database versions not stated): TOPMed 0.00001; gnomAD 0.00001.

Submissions (2):

Blueprint Genetics
Classification: Likely benign. Last evaluated: 2024-11-21. Review status: criteria provided, single submitter. Criteria: ACMG Guidelines, 2015. Collection method: clinical testing. Allele origin: germline.

PreventionGenetics, part of Exact Sciences
Classification: Uncertain significance for PDE1C-related condition. Last evaluated: 2022-11-15. Review status: criteria provided, single submitter. Criteria: ACMG Guidelines, 2015. Collection method: clinical testing. Allele origin: germline.
Comment: The PDE1C c.259C>A variant is predicted to result in the amino acid substitution p.Arg87Ser. To our knowledge, this variant has not been reported in the literature or in a large population database, indicating this variant is rare. At this time, the clinical significance of this variant is uncertain due to the absence of conclusive functional and genetic evidence.